The following is an entry in ClinVar:

ClinVar aggregate classification (germline): Pathogenic/Likely pathogenic. Review status: criteria provided, multiple submitters, no conflicts (2 of 4 stars). 2 submissions from 2 submitters: Pathogenic (1); Likely pathogenic (1). Last evaluated 2025-04-17.

Conditions:
Intellectual developmental disorder, autosomal recessive 7. Also called: Intellectual disability, autosomal recessive 7. Identifiers: Orphanet 88616, MedGen C1970197, MONDO:0012615, OMIM 611093.

Submissions (2):

Variantyx, Inc.
Classification: Likely pathogenic for Intellectual developmental disorder, autosomal recessive 7. Last evaluated: 2025-04-17. Review status: criteria provided, single submitter. Criteria: Variantyx Assertion Criteria 2022. Collection method: clinical testing. Allele origin: germline. Inheritance: Autosomal recessive inheritance. Affected: no.
Comment: This is a frameshift variant in the TUSC3 gene (OMIM: 601385). Pathogenic variants in this gene have been associated with autosomal recessive intellectual developmental disorder 7. This variant introduces a premature termination codon in exon 2 out of 11 and is expected to result in loss of function, which is a known disease mechanism for TUSC3 in this disorder (PMID: 18455129, 25626710) (PVS1). This variant has a 0.0023% maximum allele frequency in non-founder control populations (PM2). Based on the current evidence, this variant is classified as likely pathogenic for autosomal recessive intellectual developmental disorder 7.

GeneDx
Classification: Pathogenic. Last evaluated: 2023-10-06. Review status: criteria provided, single submitter. Criteria: GeneDx Variant Classification Process June 2021. Collection method: clinical testing. Allele origin: germline. Affected: yes.
Comment: Frameshift variant predicted to result in protein truncation or nonsense mediated decay in a gene for which loss of function is a known mechanism of disease; Not observed at significant frequency in large population cohorts (gnomAD); Has not been previously published as pathogenic or benign to our knowledge

Literature cited by the submitters: PubMed 18455129 (cited by Variantyx, Inc.); PubMed 25626710 (cited by Variantyx, Inc.).

NM_006765.4(TUSC3):c.279dup (p.Gln94fs)

Gene: TUSC3 (tumor suppressor candidate 3; plus strand). Cytogenetic location: 8p22.
Variant type: Duplication.
Coding change: c.279dup on transcript NM_006765.4 (MANE Select); coding-DNA position 279, one base duplicated (T; older notation c.279dupT).
Protein change: p.Gln94fs; shifts the reading frame from glutamine 94.
Molecular consequence: frameshift variant. On other transcripts: 5 prime UTR variant (1), non-coding transcript variant (5), intron variant (1).
Genome position (GRCh38, 1-based): chr8:15,623,220, T duplicated; the last of 2 consecutive T bases (chr8:15,623,219-15,623,220); duplicating either gives the same sequence. VCF-style (leftmost placement, unchanged base first): chr8-15623218-C-CT. GRCh37 (hg19) VCF-style: chr8-15480727-C-CT.
Other names: c.219dup, p.Gln74fs (NM_001413670.1); c.111dup, p.Gln38fs (NM_001413671.1, NM_001413672.1, NM_001413669.1); c.279dup, p.Gln94fs (NM_001413673.1, NM_001413674.1, NM_001413675.1 and 17 more transcripts); c.-36dup (NM_001413677.1); c.-79-27477dup (NM_001413678.1); short protein forms Q38fs, Q74fs, Q94fs.
Identifiers: ClinVar variation 3340901 (VCV003340901.1).